The following is an entry in ClinVar:

ClinVar aggregate classification (germline): Benign/Likely benign. Review status: criteria provided, multiple submitters, no conflicts (2 of 4 stars). 13 submissions from 13 submitters: Benign (6); Likely benign (6). 1 of the submissions does not count toward it. Last evaluated 2026-08-01.

Conditions:
Fanconi anemia (FA). Also called: Fanconi's anemia. Identifiers: Orphanet 84, MedGen C0015625, MeSH D005199, MONDO:0019391.
Fanconi anemia complementation group D2. Also called: FANCONI PANCYTOPENIA, TYPE 4; FANCONI ANEMIA, COMPLEMENTATION GROUP D; FANCD2-Related Fanconi Anemia. Identifiers: Orphanet 84, MedGen C3160738, MONDO:0009214, OMIM 227646.
Fanconi anemia complementation group A (FANCA). Also called: FANCA-Related Fanconi Anemia; Fanconi anemia, group A. Identifiers: Orphanet 84, MedGen C3469521, MONDO:0009215, OMIM 227650.

Allele frequency attached by ClinVar (database versions not stated): 1000 Genomes Project 0.00280; 1000 Genomes Project 30x 0.00281; ExAC 0.00407; gnomAD exomes 0.00421 and 0.00716; TOPMed 0.00433; gnomAD 0.00449 and 0.00460; ESP Exome Variant Server 0.00554.
gnomAD v4.1: 11,153 of 1,611,800 alleles (0.69%); highest among the groups gnomAD compares: Non-Finnish European, 0.85%; 50 homozygotes.

Submissions (13):

CeGaT Center for Human Genetics Tuebingen
Classification: Likely benign. Last evaluated: 2026-08-01. Review status: criteria provided, single submitter. Criteria: CeGaT Center For Human Genetics Tuebingen Variant Classification Criteria Version 2. Collection method: clinical testing. Allele origin: germline. Affected: yes. Observed: 49 variant alleles.
Comment: FANCD2: BP4, BS2

Labcorp Genetics (formerly Invitae), Labcorp
Classification: Benign for Fanconi anemia. Last evaluated: 2026-01-31. Review status: criteria provided, single submitter. Criteria: Invitae Variant Classification Sherloc (09022015). Collection method: clinical testing. Allele origin: germline.

ARUP Laboratories, Molecular Genetics and Genomics, ARUP Laboratories
Classification: Benign for Fanconi anemia complementation group D2. Last evaluated: 2025-05-21. Review status: criteria provided, single submitter. Criteria: ARUP Molecular Germline Variant Investigation Process 2024. Collection method: clinical testing. Allele origin: germline.

Blueprint Genetics
Classification: Likely benign. Last evaluated: 2024-11-26. Review status: criteria provided, single submitter. Criteria: ACMG Guidelines, 2015. Collection method: clinical testing. Allele origin: germline.

KCCC/NGS Laboratory, Kuwait Cancer Control Center
Classification: Benign for Fanconi anemia complementation group D2. Last evaluated: 2023-07-07. Review status: criteria provided, single submitter. Criteria: ACMG Guidelines, 2015. Collection method: clinical testing. Allele origin: germline. Affected: yes.

Fulgent Genetics
Classification: Likely benign for Fanconi anemia complementation group D2. Last evaluated: 2021-11-30. Review status: criteria provided, single submitter. Criteria: ACMG Guidelines, 2015. Collection method: clinical testing. Allele origin: unknown.

Genetic Services Laboratory, University of Chicago
Classification: Benign. Last evaluated: 2021-10-11. Review status: criteria provided, single submitter. Criteria: ACMG Guidelines, 2015. Collection method: clinical testing. Allele origin: germline. Affected: no.

Sema4
Classification: Benign for Fanconi anemia. Last evaluated: 2020-08-27. Review status: criteria provided, single submitter. Criteria: Sema4 Curation Guidelines. Collection method: curation. Allele origin: germline.

Mendelics
Classification: Likely benign for Fanconi anemia complementation group A. Last evaluated: 2019-05-28. Review status: criteria provided, single submitter. Criteria: Mendelics Assertion Criteria 2017. Collection method: clinical testing. Allele origin: unknown.

Illumina Laboratory Services, Illumina
Classification: Likely benign for Fanconi anemia complementation group D2. Last evaluated: 2018-01-12. Review status: criteria provided, single submitter. Criteria: ICSL Variant Classification Criteria 13 December 2019. Collection method: clinical testing. Allele origin: germline.
Comment: This variant was observed in the ICSL laboratory as part of a predisposition screen in an ostensibly healthy population. It had not been previously curated by ICSL or reported in the Human Gene Mutation Database (HGMD: prior to June 1st, 2018), and was therefore a candidate for classification through an automated scoring system. Utilizing variant allele frequency, disease prevalence and penetrance estimates, and inheritance mode, an automated score was calculated to assess if this variant is too frequent to cause the disease. Based on the score and internal cut-off values, a variant classified as likely benign is not then subjected to further curation. The score for this variant resulted in a classification of likely benign for this disease.

Center for Pediatric Genomic Medicine, Children's Mercy Hospital and Clinics
Classification: Likely benign. Last evaluated: 2016-12-06. Review status: criteria provided, single submitter. Criteria: ACMG Guidelines, 2015. Collection method: clinical testing. Allele origin: germline.
ClinVar note: Converted during submission from Likely Benign to Likely benign.

PreventionGenetics, part of Exact Sciences
Classification: Benign. Review status: criteria provided, single submitter. Criteria: ACMG Guidelines, 2015. Collection method: clinical testing. Allele origin: germline.

ITMI
No classification provided. Condition: AllHighlyPenetrant. Last evaluated: 2013-09-19. Review status: no classification provided. Collection method: reference population. Allele origin: germline. Not counted in ClinVar's aggregate classification.
Comment: Please see associated publication for description of ethnicities

Literature cited by the submitters: PubMed 24728327 (cited by ITMI).

NM_001018115.3(FANCD2):c.1634A>G (p.Asn545Ser)

Genes: FANCD2 (FA complementation group D2; plus strand), LOC107303338 (3p25 FANCD2 Alu-mediated recombination region; plus strand). Cytogenetic location: 3p25.3.
Variant type: single nucleotide variant.
Coding change: c.1634A>G on transcript NM_001018115.3 (MANE Select); coding-DNA position 1634, A replaced by G.
Protein change: p.Asn545Ser; replaces asparagine 545 with serine.
Molecular consequence: missense variant. On other transcripts: intron variant (1).
Genome position (GRCh38, 1-based): chr3:10,052,475, A>G. VCF-style: chr3-10052475-A-G. GRCh37 (hg19) VCF-style: chr3-10094159-A-G.
Other names: c.1634A>G, p.Asn545Ser (NM_001319984.2, NM_001374254.1, NM_033084.6); c.1545+2970A>G (NM_001374253.1); short protein forms N545S.
Identifiers: ClinVar variation 134312 (VCV000134312.62), dbSNP rs145522204, ClinGen allele CA159433.